The following is an entry in ClinVar:

ClinVar aggregate classification (germline): Pathogenic (1 of 4 stars; one submission).

Conditions:
Perrault syndrome 3 (PRLTS3). Identifiers: Orphanet 2855, MedGen C3808414, MONDO:0013588, OMIM 614129.

Submission:

Institute of Rare Diseases, West China Hospital, Sichuan University
Classification: Pathogenic for Perrault syndrome 3. Last evaluated: 2025-01-09. Review status: criteria provided, single submitter. Criteria: ClinGen HL ACMG Specifications v1. Collection method: research. Allele origin: germline. Affected: yes.
Comment: PVS1;PP1;PM2_Supporting

NM_006012.4(CLPP):c.328del (p.Ser110fs)

Gene: CLPP (caseinolytic mitochondrial matrix peptidase proteolytic subunit; plus strand). Cytogenetic location: 19p13.3.
Variant type: Deletion.
Coding change: c.328del on transcript NM_006012.4 (MANE Select); coding-DNA position 328, one base deleted (A; older notation c.328delA).
Protein change: p.Ser110fs; shifts the reading frame from serine 110.
Molecular consequence: frameshift variant.
Genome position (GRCh38, 1-based): chr19:6,362,503, A deleted. VCF-style (leftmost placement, unchanged base first): chr19-6362502-GA-G. GRCh37 (hg19) VCF-style: chr19-6362513-GA-G.
Other names: short protein forms S110fs.
Identifiers: ClinVar variation 3601032 (VCV003601032.1).